The following is an entry in ClinVar:

NM_000395.3(CSF2RB):c.1850_1851delinsAT (p.Ser617Asn)

Gene: CSF2RB (colony stimulating factor 2 receptor subunit beta; plus strand). Cytogenetic location: 22q12.3.
Variant type: Indel.
Coding change: c.1850_1851delinsAT on transcript NM_000395.3 (MANE Select); coding-DNA positions 1850 to 1851, GC replaced by AT.
Protein change: p.Ser617Asn; replaces serine 617 with asparagine.
Molecular consequence: missense variant.
Genome position (GRCh38, 1-based): chr22:36,937,658-36,937,659, GC replaced by AT. VCF-style: chr22-36937658-GC-AT. GRCh37 (hg19) VCF-style: chr22-37333700-GC-AT.
Other names: short protein forms S617N.
Identifiers: ClinVar variation 1449160 (VCV001449160.6), dbSNP rs2145825932, ClinGen allele CA2573158123.

ClinVar aggregate classification (germline): Uncertain significance (1 of 4 stars; one submission).

Submission:

Labcorp Genetics (formerly Invitae), Labcorp
Classification: Uncertain significance. Last evaluated: 2026-01-07. Review status: criteria provided, single submitter. Criteria: Invitae Variant Classification Sherloc (09022015). Collection method: clinical testing. Allele origin: germline.
Comment: This sequence change replaces serine, which is neutral and polar, with asparagine, which is neutral and polar, at codon 617 of the CSF2RB protein (p.Ser617Asn). This variant is present in population databases (no rsID available, gnomAD 0.006%). This variant has not been reported in the literature in individuals affected with CSF2RB-related conditions. ClinVar contains an entry for this variant (Variation ID: 1449160). An algorithm developed to predict the effect of missense changes on protein structure and function (PolyPhen-2) suggests that this variant is likely to be tolerated. In summary, the available evidence is currently insufficient to determine the role of this variant in disease. Therefore, it has been classified as a Variant of Uncertain Significance.